The following is an entry in ClinVar:

NM_002470.4(MYH3):c.2610A>G (p.Lys870=)

Gene: MYH3 (myosin heavy chain 3; minus strand). Cytogenetic location: 17p13.1.
Variant type: single nucleotide variant.
Coding change: c.2610A>G on transcript NM_002470.4 (MANE Select); coding-DNA position 2610, A replaced by G.
Protein change: p.Lys870=; no amino-acid change (lysine 870 retained).
Molecular consequence: synonymous variant.
Genome position (GRCh38, 1-based): chr17:10,640,068, T>C on the plus strand (A>G on the coding strand, the complement: MYH3 is on the minus strand). VCF-style: chr17-10640068-T-C. GRCh37 (hg19) VCF-style: chr17-10543385-T-C.
Identifiers: ClinVar variation 129651 (VCV000129651.26), dbSNP rs56163389, ClinGen allele CA153779.
Genomic context (GRCh38, chr17:10,640,068, plus strand): 5'-GAGCTGCAGGTCATTCTTCTCTTGGACCAGAGTCACCAGTTTTTCCTCTAGCTCCTTCCT[T>C]TTTGCCTCCGACTTGGCGAGTTCATCTTTGGTTTTCTGGAATTCTTCCTTCATGGTGGCC-3'
Protein context (NP_002461.2, residues 860-880): TKDELAKSEA[Lys870=]RKELEEKLVT

ClinVar aggregate classification (germline): Benign. Review status: criteria provided, multiple submitters, no conflicts (2 of 4 stars). 9 submissions from 8 submitters: Benign (6). 3 of the submissions do not count toward it. Last evaluated 2026-02-02.

Conditions:
Distal arthrogryposis type 2B1 (DA2B1). Also called: Arthrogryposis multiplex congenita distal type II with craniofacial abnormalities. Identifiers: Orphanet 1147, MedGen C5193014, MONDO:0020820, OMIM 601680.
Freeman-Sheldon syndrome (DA2A). Also called: CRANIOCARPOTARSAL DYSPLASIA; CRANIOCARPOTARSAL DYSTROPHY; Arthrogryposis, distal, type 2A (Freeman-Sheldon); WHISTLING FACE-WINDMILL VANE HAND SYNDROME. Identifiers: Orphanet 2053, MedGen C0265224, MONDO:0008675, OMIM 193700.

Allele frequency attached by ClinVar (database versions not stated): gnomAD exomes 0.03880 and 0.03963; ExAC 0.04291; gnomAD 0.05857 and 0.05967; TOPMed 0.06018; 1000 Genomes Project 0.06170; 1000 Genomes Project 30x 0.06293; ESP Exome Variant Server 0.06966.
gnomAD v4.1: 67,013 of 1,614,096 alleles (4.2%); highest among the groups gnomAD compares: African/African-American, 13%; 1,895 homozygotes.

Submissions (9):

Labcorp Genetics (formerly Invitae), Labcorp
Classification: Benign. Last evaluated: 2026-02-02. Review status: criteria provided, single submitter. Criteria: Invitae Variant Classification Sherloc (09022015). Collection method: clinical testing. Allele origin: germline.

GeneDx
Classification: Benign. Last evaluated: 2019-12-26. Review status: criteria provided, single submitter. Criteria: GeneDx Variant Classification Process June 2021. Collection method: clinical testing. Allele origin: germline. Affected: yes.

Illumina Laboratory Services, Illumina
Classification: Benign for Freeman-Sheldon syndrome. Last evaluated: 2018-01-13. Review status: criteria provided, single submitter. Criteria: ICSL Variant Classification Criteria 13 December 2019. Collection method: clinical testing. Allele origin: germline.
Comment: This variant was observed in the ICSL laboratory as part of a predisposition screen in an ostensibly healthy population. It had not been previously curated by ICSL or reported in the Human Gene Mutation Database (HGMD: prior to June 1st, 2018), and was therefore a candidate for classification through an automated scoring system. Utilizing variant allele frequency, disease prevalence and penetrance estimates, and inheritance mode, an automated score was calculated to assess if this variant is too frequent to cause the disease. Based on the score and internal cut-off values, a variant classified as benign is not then subjected to further curation. The score for this variant resulted in a classification of benign for this disease.

Illumina Laboratory Services, Illumina
Classification: Benign for Distal arthrogryposis type 2B1. Last evaluated: 2018-01-13. Review status: criteria provided, single submitter. Criteria: ICSL Variant Classification Criteria 13 December 2019. Collection method: clinical testing. Allele origin: germline.
Comment: the same text as in the submission from Illumina Laboratory Services, Illumina above.

Breakthrough Genomics
Classification: Benign. Review status: criteria provided, single submitter. Criteria: ACMG Guidelines, 2015. Collection method: not provided. Allele origin: germline. Inheritance: Autosomal recessive inheritance. Affected: yes.

PreventionGenetics, part of Exact Sciences
Classification: Benign. Review status: criteria provided, single submitter. Criteria: ACMG Guidelines, 2015. Collection method: clinical testing. Allele origin: germline.

Clinical Genetics, Academic Medical Center
Classification: Benign. Review status: no assertion criteria provided. Collection method: clinical testing. Allele origin: germline. Affected: yes. Study: VKGL Data-share Consensus. Not counted in ClinVar's aggregate classification.

Genetic Services Laboratory, University of Chicago
Classification: Likely benign for AllHighlyPenetrant. Review status: no assertion criteria provided. Collection method: clinical testing. Allele origin: germline. Inheritance: Autosomal dominant inheritance. Not counted in ClinVar's aggregate classification.
Comment: Likely benign based on allele frequency in 1000 Genomes Project or ESP global frequency and its presence in a patient with a rare or unrelated disease phenotype. NOT Sanger confirmed.

Joint Genome Diagnostic Labs from Nijmegen and Maastricht, Radboudumc and MUMC+
Classification: Benign. Review status: no assertion criteria provided. Collection method: clinical testing. Allele origin: germline. Affected: yes. Study: VKGL Data-share Consensus. Not counted in ClinVar's aggregate classification.